The following is an entry in ClinVar:

ClinVar aggregate classification (germline): Uncertain significance. Review status: criteria provided, multiple submitters, no conflicts (2 of 4 stars). 4 submissions from 4 submitters: Uncertain significance (4). Last evaluated 2024-11-18.

Conditions:
Spastic paraplegia. Identifiers: MedGen C0037772, HP:0001258.
Hereditary spastic paraplegia. Also called: Familial spastic paraparesis. Identifiers: Orphanet 685, MedGen C0037773, MONDO:0019064. Disease mechanism: loss of function.

Allele frequency attached by ClinVar (database versions not stated): gnomAD 0.00002 and 0.00003; TOPMed 0.00002; ExAC 0.00003; gnomAD exomes 0.00004; 1000 Genomes Project 0.00040; 1000 Genomes Project 30x 0.00047.

Submissions (4):

Blueprint Genetics
Classification: Uncertain significance. Last evaluated: 2024-11-18. Review status: criteria provided, single submitter. Criteria: ACMG Guidelines, 2015. Collection method: clinical testing. Allele origin: germline.

Labcorp Genetics (formerly Invitae), Labcorp
Classification: Uncertain significance for Spastic paraplegia. Last evaluated: 2022-08-19. Review status: criteria provided, single submitter. Criteria: Invitae Variant Classification Sherloc (09022015). Collection method: clinical testing. Allele origin: germline.
Comment: This sequence change replaces arginine, which is basic and polar, with glutamine, which is neutral and polar, at codon 255 of the ZFYVE26 protein (p.Arg255Gln). This variant is present in population databases (rs200023667, gnomAD 0.007%). This variant has not been reported in the literature in individuals affected with ZFYVE26-related conditions. ClinVar contains an entry for this variant (Variation ID: 968992). Algorithms developed to predict the effect of missense changes on protein structure and function output the following: SIFT: "Tolerated"; PolyPhen-2: "Benign"; Align-GVGD: "Class C0". The glutamine amino acid residue is found in multiple mammalian species, which suggests that this missense change does not adversely affect protein function. In summary, the available evidence is currently insufficient to determine the role of this variant in disease. Therefore, it has been classified as a Variant of Uncertain Significance.

Genome Diagnostics Laboratory, The Hospital for Sick Children
Classification: Uncertain significance for Hereditary spastic paraplegia. Last evaluated: 2020-07-14. Review status: criteria provided, single submitter. Criteria: ACMG Guidelines, 2015. Collection method: clinical testing. Allele origin: germline. Affected: yes.

Breakthrough Genomics
Classification: Uncertain significance. Review status: criteria provided, single submitter. Criteria: ACMG Guidelines, 2015. Collection method: not provided. Allele origin: germline. Inheritance: Autosomal recessive inheritance. Affected: yes.

NM_015346.4(ZFYVE26):c.764G>A (p.Arg255Gln)

Gene: ZFYVE26 (zinc finger FYVE-type containing 26; minus strand). Cytogenetic location: 14q24.1.
Variant type: single nucleotide variant.
Coding change: c.764G>A on transcript NM_015346.4 (MANE Select); coding-DNA position 764, G replaced by A.
Protein change: p.Arg255Gln; replaces arginine 255 with glutamine.
Molecular consequence: missense variant.
Genome position (GRCh38, 1-based): chr14:67,807,520, C>T on the plus strand (G>A on the coding strand, the complement: ZFYVE26 is on the minus strand). VCF-style: chr14-67807520-C-T. GRCh37 (hg19) VCF-style: chr14-68274237-C-T.
Other names: short protein forms R255Q.
Identifiers: ClinVar variation 968992 (VCV000968992.8), dbSNP rs200023667, ClinGen allele CA7240708.